The following is an entry in ClinVar:

NM_001199107.2(TBC1D24):c.270_286del (p.Pro91fs)

Gene: TBC1D24 (TBC1 domain family member 24; plus strand). Cytogenetic location: 16p13.3.
Variant type: Deletion.
Coding change: c.270_286del on transcript NM_001199107.2 (MANE Select); coding-DNA positions 270 to 286, 17 bases deleted (GCCGCTGCCCGAGTTCG).
Protein change: p.Pro91fs; shifts the reading frame from proline 91.
Molecular consequence: frameshift variant.
Genome position (GRCh38, 1-based): chr16:2,496,418-2,496,434, GCCGCTGCCCGAGTTCG deleted. VCF-style (leftmost placement, unchanged base first): chr16-2496417-TGCCGCTGCCCGAGTTCG-T. GRCh37 (hg19) VCF-style: chr16-2546418-TGCCGCTGCCCGAGTTCG-T.
Other names: c.270_286del, p.Pro91fs (NM_020705.3); short protein forms P91fs.
Identifiers: ClinVar variation 2127078 (VCV002127078.4), dbSNP rs2505512832, ClinGen allele CA2580091016.
Genomic context (GRCh38, chr16:2,496,417, plus strand): 5'-ACGCCAGCGTGTACAGCGACATCGTGGGCAAGATCGTGGGCAAGCACAGCAGCAGCTGCC[TGCCGCTGCCCGAGTTCG>T]TGGACAACACGCAGGTGCCCAGCTACTGCCTGAATGCACGCGGCGAGGGGGCCGTGCGCA-3'

ClinVar aggregate classification (germline): Pathogenic (1 of 4 stars; one submission).

Conditions:
Autosomal dominant nonsyndromic hearing loss 65. Also called: Deafness, autosomal dominant 65; TBC1D24-Related Autosomal Dominant Nonsyndromic Hearing Loss (DFNA). Identifiers: Orphanet 90635, MedGen C3892048, MONDO:0014470, OMIM 616044.
Developmental and epileptic encephalopathy, 1 (DEE1). Also called: X-linked infantile spasms; West's syndrome; Tonic spasms with clustering, arrest of psychomotor development and hypsarrhythmia on EEG; X-Linked Infantile Spasm Syndrome; OHTAHARA SYNDROME, X-LINKED; INFANTILE SPASM SYNDROME, X-LINKED 1. Identifiers: MedGen C3463992, MONDO:0010632, OMIM 308350. Disease mechanism: loss of function.

Submission:

Labcorp Genetics (formerly Invitae), Labcorp
Classification: Pathogenic for Developmental and epileptic encephalopathy, 1; Autosomal dominant nonsyndromic hearing loss 65. Last evaluated: 2022-08-30. Review status: criteria provided, single submitter. Criteria: Invitae Variant Classification Sherloc (09022015). Collection method: clinical testing. Allele origin: germline.
Comment: This variant has not been reported in the literature in individuals affected with TBC1D24-related conditions. This variant is not present in population databases (gnomAD no frequency). This sequence change creates a premature translational stop signal (p.Pro91Glyfs*67) in the TBC1D24 gene. It is expected to result in an absent or disrupted protein product. Loss-of-function variants in TBC1D24 are known to be pathogenic (PMID: 23526554, 24291220). For these reasons, this variant has been classified as Pathogenic.

Literature cited by the submitters: PubMed 23526554; PubMed 24291220.